The following is an entry in ClinVar:

ClinVar aggregate classification (germline): Uncertain significance (1 of 4 stars; one submission).

Allele frequency attached by ClinVar (database versions not stated): gnomAD exomes below 0.00001.
gnomAD v4.1: 8 of 1,614,210 alleles (0.0005%); highest among the groups gnomAD compares: Non-Finnish European, 0.00059%; no homozygotes.

Submission:

Labcorp Genetics (formerly Invitae), Labcorp
Classification: Uncertain significance. Last evaluated: 2023-10-13. Review status: criteria provided, single submitter. Criteria: Invitae Variant Classification Sherloc (09022015). Collection method: clinical testing. Allele origin: germline.
Comment: This sequence change replaces valine, which is neutral and non-polar, with leucine, which is neutral and non-polar, at codon 119 of the TUBB1 protein (p.Val119Leu). This variant is present in population databases (no rsID available, gnomAD 0.002%). This variant has not been reported in the literature in individuals affected with TUBB1-related conditions. ClinVar contains an entry for this variant (Variation ID: 2134585). Advanced modeling of protein sequence and biophysical properties (such as structural, functional, and spatial information, amino acid conservation, physicochemical variation, residue mobility, and thermodynamic stability) performed at Invitae indicates that this missense variant is not expected to disrupt TUBB1 protein function. In summary, the available evidence is currently insufficient to determine the role of this variant in disease. Therefore, it has been classified as a Variant of Uncertain Significance.

NM_030773.4(TUBB1):c.355G>C (p.Val119Leu)

Gene: TUBB1 (tubulin beta 1 class VI; plus strand). Cytogenetic location: 20q13.32.
Variant type: single nucleotide variant.
Coding change: c.355G>C on transcript NM_030773.4 (MANE Select); coding-DNA position 355, G replaced by C.
Protein change: p.Val119Leu; replaces valine 119 with leucine.
Molecular consequence: missense variant.
Genome position (GRCh38, 1-based): chr20:59,023,782, G>C. VCF-style: chr20-59023782-G-C. GRCh37 (hg19) VCF-style: chr20-57598837-G-C.
Other names: short protein forms V119L.
Identifiers: ClinVar variation 2134585 (VCV002134585.4), dbSNP rs1428422168, ClinGen allele CA409466751.
Genomic context (GRCh38, chr20:59,023,782, plus strand): 5'-AACAACTGGGCCAAAGGCCACTACACGGAGGGAGCCGAGCTGATCGAGAATGTCCTAGAG[G>C]TGGTGAGGCACGAGAGTGAGAGCTGTGACTGCCTGCAGGGCTTCCAGATCGTCCACTCCC-3'
Protein context (NP_110400.1, residues 109-129): GAELIENVLE[Val119Leu]VRHESESCDC